The following is an entry in ClinVar:

NM_001017995.3(SH3PXD2B):c.2396_2405dup (p.Lys803fs)

Gene: SH3PXD2B (SH3 and PX domains 2B; minus strand). Cytogenetic location: 5q35.1.
Variant type: Duplication.
Coding change: c.2396_2405dup on transcript NM_001017995.3 (MANE Select); coding-DNA positions 2396 to 2405, 10 bases duplicated (TCGTCCCTCC; older notation c.2396_2405dupTCGTCCCTCC).
Protein change: p.Lys803fs; shifts the reading frame from lysine 803.
Molecular consequence: frameshift variant. On other transcripts: intron variant (1).
Genome position (GRCh38, 1-based): chr5:172,338,700-172,338,709, GGAGGGACGA duplicated on the plus strand (TCGTCCCTCC on the coding strand, the reverse complement: SH3PXD2B is on the minus strand); duplicating any 10 consecutive bases within chr5:172,338,700-172,338,713 gives the same sequence; the c. name uses the placement nearest the transcript's 3' end. VCF-style (leftmost placement, unchanged base first): chr5-172338699-T-TGGAGGGACGA. GRCh37 (hg19) VCF-style: chr5-171765703-T-TGGAGGGACGA.
Other names: c.1188+7427_1188+7436dup (NM_001308175.2); short protein forms K803fs.
Identifiers: ClinVar variation 2415540 (VCV002415540.6), dbSNP rs1333820503, ClinGen allele CA807627898.

ClinVar aggregate classification (germline): Uncertain significance (1 of 4 stars; one submission).

Submission:

Labcorp Genetics (formerly Invitae), Labcorp
Classification: Uncertain significance. Last evaluated: 2022-05-05. Review status: criteria provided, single submitter. Criteria: Invitae Variant Classification Sherloc (09022015). Collection method: clinical testing. Allele origin: germline.
Comment: In summary, the available evidence is currently insufficient to determine the role of this variant in disease. Therefore, it has been classified as a Variant of Uncertain Significance. Experimental studies and prediction algorithms are not available or were not evaluated, and the functional significance of this variant is currently unknown. This variant has not been reported in the literature in individuals affected with SH3PXD2B-related conditions. This variant is not present in population databases (gnomAD no frequency). This sequence change creates a premature translational stop signal (p.Lys803Argfs*18) in the SH3PXD2B gene. While this is not anticipated to result in nonsense mediated decay, it is expected to disrupt the last 109 amino acid(s) of the SH3PXD2B protein.